The following is an entry in ClinVar:

NM_003590.5(CUL3):c.1609A>G (p.Arg537Gly)

Gene: CUL3 (cullin 3; minus strand). Cytogenetic location: 2q36.2.
Variant type: single nucleotide variant.
Coding change: c.1609A>G on transcript NM_003590.5 (MANE Select); coding-DNA position 1609, A replaced by G.
Protein change: p.Arg537Gly; replaces arginine 537 with glycine.
Molecular consequence: missense variant.
Genome position (GRCh38, 1-based): chr2:224,500,364, T>C on the plus strand (A>G on the coding strand, the complement: CUL3 is on the minus strand). VCF-style: chr2-224500364-T-C. GRCh37 (hg19) VCF-style: chr2-225365081-T-C.
Other names: c.1411A>G, p.Arg471Gly (NM_001257197.2); c.1627A>G, p.Arg543Gly (NM_001257198.2); short protein forms R537G, R543G, R471G.
Identifiers: ClinVar variation 2094625 (VCV002094625.5), dbSNP rs2469964203, ClinGen allele CA350825867.

ClinVar aggregate classification (germline): Uncertain significance. Review status: criteria provided, multiple submitters, no conflicts (2 of 4 stars). 2 submissions from 2 submitters: Uncertain significance (2). Last evaluated 2024-10-16.

Conditions:
Neurodevelopmental disorder with or without autism or seizures (NEDAUS). Identifiers: MedGen C5543225, MONDO:0030994, OMIM 619239.

Submissions (2):

Labcorp Genetics (formerly Invitae), Labcorp
Classification: Uncertain significance. Last evaluated: 2024-10-16. Review status: criteria provided, single submitter. Criteria: Invitae Variant Classification Sherloc (09022015). Collection method: clinical testing. Allele origin: germline.
Comment: This sequence change replaces arginine, which is basic and polar, with glycine, which is neutral and non-polar, at codon 537 of the CUL3 protein (p.Arg537Gly). This variant is not present in population databases (gnomAD no frequency). This variant has not been reported in the literature in individuals affected with CUL3-related conditions. ClinVar contains an entry for this variant (Variation ID: 2094625). Invitae Evidence Modeling of protein sequence and biophysical properties (such as structural, functional, and spatial information, amino acid conservation, physicochemical variation, residue mobility, and thermodynamic stability) has been performed for this missense variant. However, the output from this modeling did not meet the statistical confidence thresholds required to predict the impact of this variant on CUL3 protein function. Algorithms developed to predict the effect of sequence changes on RNA splicing suggest that this variant may disrupt the consensus splice site. In summary, the available evidence is currently insufficient to determine the role of this variant in disease. Therefore, it has been classified as a Variant of Uncertain Significance.

Illumina Laboratory Services, Illumina
Classification: Uncertain significance for Neurodevelopmental disorder with or without autism or seizures. Last evaluated: 2024-02-20. Review status: criteria provided, single submitter. Criteria: ICSLVariantClassificationCriteria RUGD 01 April 2020. Collection method: clinical testing. Allele origin: unknown.